The following is an entry in ClinVar:

NM_004698.4(PRPF3):c.1205C>G (p.Thr402Arg)

Gene: PRPF3 (pre-mRNA processing factor 3; plus strand). Cytogenetic location: 1q21.2.
Variant type: single nucleotide variant.
Coding change: c.1205C>G on transcript NM_004698.4 (MANE Select); coding-DNA position 1205, C replaced by G.
Protein change: p.Thr402Arg; replaces threonine 402 with arginine.
Molecular consequence: missense variant. On other transcripts: non-coding transcript variant (3).
Genome position (GRCh38, 1-based): chr1:150,340,400, C>G. VCF-style: chr1-150340400-C-G. GRCh37 (hg19) VCF-style: chr1-150312876-C-G.
Other names: c.800C>G, p.Thr267Arg (NM_001350529.1); short protein forms T402R, T267R.
Identifiers: ClinVar variation 2760402 (VCV002760402.3), dbSNP rs373344914, ClinGen allele CA1075571.

ClinVar aggregate classification (germline): Uncertain significance (1 of 4 stars; one submission).

Allele frequency attached by ClinVar (database versions not stated): gnomAD 0.00001; TOPMed 0.00001; ESP Exome Variant Server 0.00008.
gnomAD v4.1: 1 of 1,589,580 alleles (0.000063%); highest among the groups gnomAD compares: Non-Finnish European, 0.000086%; no homozygotes.

Submission:

Labcorp Genetics (formerly Invitae), Labcorp
Classification: Uncertain significance. Last evaluated: 2023-09-12. Review status: criteria provided, single submitter. Criteria: Invitae Variant Classification Sherloc (09022015). Collection method: clinical testing. Allele origin: germline.
Comment: In summary, the available evidence is currently insufficient to determine the role of this variant in disease. Therefore, it has been classified as a Variant of Uncertain Significance. Algorithms developed to predict the effect of sequence changes on RNA splicing suggest that this variant may disrupt the consensus splice site. An algorithm developed to predict the effect of missense changes on protein structure and function (PolyPhen-2) suggests that this variant is likely to be tolerated. This variant has not been reported in the literature in individuals affected with PRPF3-related conditions. This variant is present in population databases (rs373344914, gnomAD 0.0009%). This sequence change replaces threonine, which is neutral and polar, with arginine, which is basic and polar, at codon 402 of the PRPF3 protein (p.Thr402Arg).